The following is an entry in ClinVar:

NM_000179.3(MSH6):c.2087T>C (p.Ile696Thr)

Gene: MSH6 (mutS homolog 6; plus strand). Cytogenetic location: 2p16.3.
Variant type: single nucleotide variant.
Coding change: c.2087T>C on transcript NM_000179.3 (MANE Select); coding-DNA position 2087, T replaced by C.
Protein change: p.Ile696Thr; replaces isoleucine 696 with threonine.
Molecular consequence: missense variant.
Genome position (GRCh38, 1-based): chr2:47,800,070, T>C. VCF-style: chr2-47800070-T-C. GRCh37 (hg19) VCF-style: chr2-48027209-T-C.
Other names: c.1697T>C, p.Ile566Thr (NM_001281492.2); c.1181T>C, p.Ile394Thr (NM_001281493.2, NM_001281494.2); short protein forms I696T, I394T, I566T.
Identifiers: ClinVar variation 89249 (VCV000089249.15), dbSNP rs587779229, ClinGen allele CA009660.

ClinVar aggregate classification (germline): Uncertain significance. Review status: criteria provided, multiple submitters, no conflicts (2 of 4 stars). 5 submissions from 5 submitters: Uncertain significance (5). Last evaluated 2025-09-07.

Conditions:
Hereditary cancer-predisposing syndrome. Also called: Tumor predisposition; Hereditary Cancer Syndrome; Hereditary neoplastic syndrome; Neoplastic Syndromes, Hereditary. Identifiers: Orphanet 140162, MedGen C0027672, MeSH D009386, MONDO:0015356.
Lynch syndrome 5 (LYNCH5). Also called: Colorectal cancer, hereditary nonpolyposis, type 5; Hereditary non-polyposis colorectal cancer, type 5. Identifiers: Orphanet 144, MedGen C1833477, MONDO:0013710, OMIM 614350. Disease mechanism: loss of function.
Inherited ovarian cancer (without breast cancer).
Hereditary nonpolyposis colorectal neoplasms. Identifiers: MedGen C0009405, MeSH D003123.

Allele frequency attached by ClinVar (database versions not stated): gnomAD exomes below 0.00001; TOPMed below 0.00001.
gnomAD v4.1: 3 of 1,614,160 alleles (0.00019%); highest among the groups gnomAD compares: African/African-American, 0.0013%; no homozygotes.

Submissions (5):

Labcorp Genetics (formerly Invitae), Labcorp
Classification: Uncertain significance for Hereditary nonpolyposis colorectal neoplasms. Last evaluated: 2025-09-07. Review status: criteria provided, single submitter. Criteria: Invitae Variant Classification Sherloc (09022015). Collection method: clinical testing. Allele origin: germline.
Comment: This sequence change replaces isoleucine, which is neutral and non-polar, with threonine, which is neutral and polar, at codon 696 of the MSH6 protein (p.Ile696Thr). This variant is not present in population databases (gnomAD no frequency). This missense change has been observed in individual(s) with breast and/or colorectal cancer (PMID: 31204389, 35449176). ClinVar contains an entry for this variant (Variation ID: 89249). Invitae Evidence Modeling of protein sequence and biophysical properties (such as structural, functional, and spatial information, amino acid conservation, physicochemical variation, residue mobility, and thermodynamic stability) has been performed for this missense variant. However, the output from this modeling did not meet the statistical confidence thresholds required to predict the impact of this variant on MSH6 protein function. In summary, the available evidence is currently insufficient to determine the role of this variant in disease. Therefore, it has been classified as a Variant of Uncertain Significance.

Ambry Genetics
Classification: Uncertain significance for Hereditary cancer-predisposing syndrome. Last evaluated: 2025-02-27. Review status: criteria provided, single submitter. Criteria: Ambry Variant Classification Scheme 2023. Collection method: clinical testing. Allele origin: germline.
Comment: The p.I696T variant (also known as c.2087T>C), located in coding exon 4 of the MSH6 gene, results from a T to C substitution at nucleotide position 2087. The isoleucine at codon 696 is replaced by threonine, an amino acid with similar properties. This amino acid position is not well conserved in available vertebrate species. In addition, this alteration is predicted to be deleterious by in silico analysis. Based on the available evidence, the clinical significance of this variant remains unclear.

Cambridge Genomics Laboratory, East Genomic Laboratory Hub, NHS Genomic Medicine Service
Classification: Uncertain significance for Inherited ovarian cancer (without breast cancer). Last evaluated: 2024-04-25. Review status: criteria provided, single submitter. Criteria: ACGS Best Practice Guidelines for Variant Classification in Rare Disease 2020. Collection method: clinical testing. Allele origin: germline. Affected: yes.
Comment: PM2_Supporting,PP3

Color Diagnostics, LLC DBA Color Health
Classification: Uncertain significance for Hereditary cancer-predisposing syndrome. Last evaluated: 2023-05-05. Review status: criteria provided, single submitter. Criteria: ACMG Guidelines, 2015. Collection method: clinical testing. Allele origin: germline.
Comment: This missense variant replaces isoleucine with threonine at codon 696 of the MSH6 protein. Computational prediction suggests that this variant may have deleterious impact on protein structure and function (internally defined REVEL score threshold >= 0.7, PMID: 27666373). To our knowledge, functional studies have not been reported for this variant. This variant has not been reported in individuals affected with MSH6-related disorders in the literature. This variant has not been identified in the general population by the Genome Aggregation Database (gnomAD). The available evidence is insufficient to determine the role of this variant in disease conclusively. Therefore, this variant is classified as a Variant of Uncertain Significance.

Illumina Laboratory Services, Illumina
Classification: Uncertain significance for Lynch syndrome 5. Last evaluated: 2018-01-13. Review status: criteria provided, single submitter. Criteria: ICSL Variant Classification Criteria 13 December 2019. Collection method: clinical testing. Allele origin: germline.

Literature cited by the submitters: PubMed 31204389 (cited by Labcorp Genetics (formerly Invitae), Labcorp and Ambry Genetics); PubMed 35449176 (cited by Labcorp Genetics (formerly Invitae), Labcorp).